The following is an entry in ClinVar:

ClinVar aggregate classification (germline): Uncertain significance. Review status: criteria provided, multiple submitters, no conflicts (2 of 4 stars). 2 submissions from 2 submitters: Uncertain significance (2). Last evaluated 2025-12-02.

Conditions:
Long QT syndrome (LQTS). Identifiers: MedGen C0023976, MeSH D008133, MONDO:0002442. Disease mechanism: loss of function. Inheritance: Various modes of inheritance.
Cardiovascular phenotype. Identifiers: MedGen CN230736.

gnomAD v4.1: 2 of 1,613,940 alleles (0.00012%); highest among the groups gnomAD compares: Non-Finnish European, 0.00017%; no homozygotes.

Submissions (2):

Labcorp Genetics (formerly Invitae), Labcorp
Classification: Uncertain significance for Long QT syndrome. Last evaluated: 2025-12-02. Review status: criteria provided, single submitter. Criteria: Invitae Variant Classification Sherloc (09022015). Collection method: clinical testing. Allele origin: germline.
Comment: This sequence change replaces serine, which is neutral and polar, with alanine, which is neutral and non-polar, at codon 179 of the SNTA1 protein (p.Ser179Ala). This variant is not present in population databases (gnomAD no frequency). This variant has not been reported in the literature in individuals affected with SNTA1-related conditions. ClinVar contains an entry for this variant (Variation ID: 3321219). Invitae Evidence Modeling of protein sequence and biophysical properties (such as structural, functional, and spatial information, amino acid conservation, physicochemical variation, residue mobility, and thermodynamic stability) indicates that this missense variant is not expected to disrupt SNTA1 protein function with a negative predictive value of 80%. In summary, the available evidence is currently insufficient to determine the role of this variant in disease. Therefore, it has been classified as a Variant of Uncertain Significance.

Ambry Genetics
Classification: Uncertain significance for Cardiovascular phenotype. Last evaluated: 2025-08-22. Review status: criteria provided, single submitter. Criteria: Ambry Variant Classification Scheme 2023. Collection method: clinical testing. Allele origin: germline.

NM_003098.3(SNTA1):c.535T>G (p.Ser179Ala)

Gene: SNTA1 (syntrophin alpha 1; minus strand). Cytogenetic location: 20q11.21.
Variant type: single nucleotide variant.
Coding change: c.535T>G on transcript NM_003098.3 (MANE Select); coding-DNA position 535, T replaced by G.
Protein change: p.Ser179Ala; replaces serine 179 with alanine.
Molecular consequence: missense variant.
Genome position (GRCh38, 1-based): chr20:33,417,885, A>C on the plus strand (T>G on the coding strand, the complement: SNTA1 is on the minus strand). VCF-style: chr20-33417885-A-C. GRCh37 (hg19) VCF-style: chr20-32005691-A-C.
Other names: c.535T>G, p.Ser179Ala (NM_001424413.1, NM_001424414.1); short protein forms S179A.
Identifiers: ClinVar variation 3321219 (VCV003321219.3).